The following is an entry in ClinVar:

ClinVar aggregate classification (germline): Uncertain significance (1 of 4 stars; one submission).

Conditions:
Hereditary diffuse gastric adenocarcinoma (HDGC). Also called: DIFFUSE GASTRIC AND LOBULAR BREAST CANCER SYNDROME. Identifiers: Orphanet 26106, MedGen C1708349, MONDO:0007648, OMIM 137215.

Submission:

Labcorp Genetics (formerly Invitae), Labcorp
Classification: Uncertain significance for Hereditary diffuse gastric adenocarcinoma. Last evaluated: 2022-06-13. Review status: criteria provided, single submitter. Criteria: Invitae Variant Classification Sherloc (09022015). Collection method: clinical testing. Allele origin: germline.
Comment: In summary, the available evidence is currently insufficient to determine the role of this variant in disease. Therefore, it has been classified as a Variant of Uncertain Significance. Algorithms developed to predict the effect of missense changes on protein structure and function (SIFT, PolyPhen-2, Align-GVGD) all suggest that this variant is likely to be tolerated. This variant has not been reported in the literature in individuals affected with CDH1-related conditions. This variant is not present in population databases (gnomAD no frequency). This sequence change replaces threonine, which is neutral and polar, with alanine, which is neutral and non-polar, at codon 364 of the CDH1 protein (p.Thr364Ala).

NM_004360.5(CDH1):c.1090A>G (p.Thr364Ala)

Gene: CDH1 (cadherin 1; plus strand). Cytogenetic location: 16q22.1.
Variant type: single nucleotide variant.
Coding change: c.1090A>G on transcript NM_004360.5 (MANE Select); coding-DNA position 1090, A replaced by G.
Protein change: p.Thr364Ala; replaces threonine 364 with alanine.
Molecular consequence: missense variant. On other transcripts: 5 prime UTR variant (2).
Genome position (GRCh38, 1-based): chr16:68,812,216, A>G. VCF-style: chr16-68812216-A-G. GRCh37 (hg19) VCF-style: chr16-68846119-A-G.
Other names: c.1090A>G, p.Thr364Ala (NM_001317184.2); c.-526A>G (NM_001317185.2); c.-730A>G (NM_001317186.2); short protein forms T364A.
Identifiers: ClinVar variation 2005992 (VCV002005992.4), dbSNP rs778868539, ClinGen allele CA396460102.